The following is an entry in ClinVar:

NM_002547.3(OPHN1):c.2315C>T (p.Thr772Ile)

Gene: OPHN1 (oligophrenin 1; minus strand). Cytogenetic location: Xq12.
Variant type: single nucleotide variant.
Coding change: c.2315C>T on transcript NM_002547.3 (MANE Select); coding-DNA position 2315, C replaced by T.
Protein change: p.Thr772Ile; replaces threonine 772 with isoleucine.
Molecular consequence: missense variant.
Genome position (GRCh38, 1-based): chrX:68,053,654, G>A on the plus strand (C>T on the coding strand, the complement: OPHN1 is on the minus strand). VCF-style: chrX-68053654-G-A. GRCh37 (hg19) VCF-style: chrX-67273496-G-A.
Other names: short protein forms T772I.
Identifiers: ClinVar variation 1978422 (VCV001978422.4), dbSNP rs1451445409, ClinGen allele CA413429773.

ClinVar aggregate classification (germline): Uncertain significance (1 of 4 stars; one submission).

gnomAD v4.1: 1 of 1,211,258 alleles (0.000083%); highest among the groups gnomAD compares: Admixed American, 0.0022%; no homozygotes.

Submission:

Labcorp Genetics (formerly Invitae), Labcorp
Classification: Uncertain significance. Last evaluated: 2024-11-11. Review status: criteria provided, single submitter. Criteria: Invitae Variant Classification Sherloc (09022015). Collection method: clinical testing. Allele origin: germline.
Comment: This sequence change replaces threonine, which is neutral and polar, with isoleucine, which is neutral and non-polar, at codon 772 of the OPHN1 protein (p.Thr772Ile). This variant is present in population databases (no rsID available, gnomAD 0.004%). This variant has not been reported in the literature in individuals affected with OPHN1-related conditions. ClinVar contains an entry for this variant (Variation ID: 1978422). An algorithm developed to predict the effect of missense changes on protein structure and function (PolyPhen-2) suggests that this variant is likely to be tolerated. In summary, the available evidence is currently insufficient to determine the role of this variant in disease. Therefore, it has been classified as a Variant of Uncertain Significance.